The following is an entry in ClinVar:

ClinVar aggregate classification (germline): Uncertain significance (1 of 4 stars; one submission).

Conditions:
Hereditary spastic paraplegia 39 (SPG39). Also called: SPASTIC PARAPLEGIA 39, AUTOSOMAL RECESSIVE; Spastic Paraplegia Type 39 (SPG39). Identifiers: Orphanet 139480, MedGen C2677586, MONDO:0012787, OMIM 612020.

Submission:

Labcorp Genetics (formerly Invitae), Labcorp
Classification: Uncertain significance for Hereditary spastic paraplegia 39. Last evaluated: 2026-01-05. Review status: criteria provided, single submitter. Criteria: Invitae Variant Classification Sherloc (09022015). Collection method: clinical testing. Allele origin: germline.
Comment: This sequence change replaces arginine, which is basic and polar, with histidine, which is basic and polar, at codon 1314 of the PNPLA6 protein (p.Arg1314His). Information on the frequency of this variant in the gnomAD database is not available, as this variant may be reported differently in the database. This variant has not been reported in the literature in individuals affected with PNPLA6-related conditions. ClinVar contains an entry for this variant (Variation ID: 850612). An algorithm developed to predict the effect of missense changes on protein structure and function outputs the following: PolyPhen-2: "Benign". The histidine amino acid residue is found in multiple mammalian species, which suggests that this missense change does not adversely affect protein function. In summary, the available evidence is currently insufficient to determine the role of this variant in disease. Therefore, it has been classified as a Variant of Uncertain Significance.

NM_001166114.2(PNPLA6):c.4055_4056delinsAT (p.Arg1352His)

Gene: PNPLA6 (patatin like domain 6, lysophospholipase; plus strand). Cytogenetic location: 19p13.2.
Variant type: Indel.
Coding change: c.4055_4056delinsAT on transcript NM_001166114.2 (MANE Select); coding-DNA positions 4055 to 4056, GC replaced by AT.
Protein change: p.Arg1352His; replaces arginine 1352 with histidine.
Molecular consequence: missense variant.
Genome position (GRCh38, 1-based): chr19:7,561,519-7,561,520, GC replaced by AT. VCF-style: chr19-7561519-GC-AT. GRCh37 (hg19) VCF-style: chr19-7626405-GC-AT.
Other names: c.4085_4086delinsAT, p.Arg1362His (NM_001166111.2); c.3860_3861delinsAT, p.Arg1287His (NM_001166112.2); c.3941_3942delinsAT, p.Arg1314His (NM_001166113.1, NM_006702.5); short protein forms R1362H, R1314H, R1352H, R1287H.
Identifiers: ClinVar variation 850612 (VCV000850612.9), dbSNP rs2024100609, ClinGen allele CA916083678.